The following is an entry in ClinVar:

ClinVar aggregate classification (germline): Pathogenic. Review status: criteria provided, multiple submitters, no conflicts (2 of 4 stars). 2 submissions from 2 submitters: Pathogenic (2). Last evaluated 2025-04-05.

Conditions:
Rubinstein-Taybi syndrome due to CREBBP mutations (RSTS1). Also called: RUBINSTEIN-TAYBI SYNDROME 1, INCOMPLETE; RUBINSTEIN SYNDROME; Rubinstein-Taybi syndrome 1; BROAD THUMB-HALLUX SYNDROME; BROAD THUMBS AND GREAT TOES, CHARACTERISTIC FACIES, AND IMPAIRED INTELLECTUAL DEVELOPMENT; CREBBP-Related Rubinstein-Taybi Syndrome. Identifiers: Orphanet 353277, Orphanet 783, MedGen C4551859, MONDO:0008393, OMIM 180849.
Rubinstein-Taybi syndrome (RSTS). Identifiers: Orphanet 783, MedGen C0035934, MONDO:0019188.

Submissions (2):

3billion
Classification: Pathogenic for Rubinstein-Taybi syndrome due to CREBBP mutations. Last evaluated: 2025-04-05. Review status: criteria provided, single submitter. Criteria: ACMG Guidelines, 2015. Collection method: clinical testing. Allele origin: germline. Affected: yes.

Labcorp Genetics (formerly Invitae), Labcorp
Classification: Pathogenic for Rubinstein-Taybi syndrome. Last evaluated: 2020-06-12. Review status: criteria provided, single submitter. Criteria: Invitae Variant Classification Sherloc (09022015). Collection method: clinical testing. Allele origin: germline.
Comment: This sequence change creates a premature translational stop signal (p.Glu1560Glyfs*12) in the CREBBP gene. It is expected to result in an absent or disrupted protein product. This variant is not present in population databases (ExAC no frequency). This variant has not been reported in the literature in individuals with CREBBP-related conditions. Loss-of-function variants in CREBBP are known to be pathogenic (PMID: 17052327, 18792986). For these reasons, this variant has been classified as Pathogenic.

Literature cited by the submitters: PubMed 17052327 (cited by Labcorp Genetics (formerly Invitae), Labcorp); PubMed 18792986 (cited by Labcorp Genetics (formerly Invitae), Labcorp).

NM_004380.3(CREBBP):c.4679_4683del (p.Glu1560fs)

Gene: CREBBP (CREB binding lysine acetyltransferase; minus strand). Cytogenetic location: 16p13.3.
Variant type: Deletion.
Coding change: c.4679_4683del on transcript NM_004380.3 (MANE Select); coding-DNA positions 4679 to 4683, 5 bases deleted (AAGAG; older notation c.4679_4683delAAGAG).
Protein change: p.Glu1560fs; shifts the reading frame from glutamic acid 1560.
Molecular consequence: frameshift variant.
Genome position (GRCh38, 1-based): chr16:3,736,081-3,736,085, CTCTT deleted on the plus strand (AAGAG on the coding strand, the reverse complement: CREBBP is on the minus strand); deleting any 5 consecutive bases within chr16:3,736,081-3,736,087 gives the same sequence; the c. name uses the placement nearest the transcript's 3' end. VCF-style (leftmost placement, unchanged base first): chr16-3736080-CCTCTT-C. GRCh37 (hg19) VCF-style: chr16-3786081-CCTCTT-C.
Other names: c.4565_4569del, p.Glu1522fs (NM_001079846.1); short protein forms E1522fs, E1560fs.
Identifiers: ClinVar variation 1071243 (VCV001071243.8), dbSNP rs2151327706, ClinGen allele CA2499223518.
Genomic context (GRCh38, chr16:3,736,080, plus strand): 5'-AGAGAAGGGTCTGTACCTCAGTGGTTTCACTGGCTGCAGTGCTCTCTTCCTTTTTCCTCT[CCTCTT>C]CTTCTTGTTCTAGTTCCTTAATGCTCTCTTCTAACACATTGGGCCAGAAATCACCTTCAA-3'